The following is an entry in ClinVar:

ClinVar aggregate classification (germline): Uncertain significance. Review status: criteria provided, multiple submitters, no conflicts (2 of 4 stars). 2 submissions from 2 submitters: Uncertain significance (2). Last evaluated 2022-11-16.

Conditions:
Early-infantile DEE. Also called: Ohtahara syndrome; Early infantile epileptic encephalopathy; Early infantile epileptic encephalopathy with suppression bursts. Identifiers: Orphanet 1934, MedGen C0393706, MONDO:0800491.

Allele frequency attached by ClinVar (database versions not stated): gnomAD exomes below 0.00001; ExAC 0.00001.
gnomAD v4.1: 3 of 1,589,022 alleles (0.00019%); highest among the groups gnomAD compares: Non-Finnish European, 0.00026%; no homozygotes.

Submissions (2):

GeneDx
Classification: Uncertain significance. Last evaluated: 2022-11-16. Review status: criteria provided, single submitter. Criteria: GeneDx Variant Classification Process June 2021. Collection method: clinical testing. Allele origin: germline. Affected: yes.
Comment: Not observed at significant frequency in large population cohorts (gnomAD); Missense variants in this gene are often considered pathogenic (HGMD); This substitution is predicted to be in the cytoplasmic loop between the third and fourth homologous domains; Has not been previously published as pathogenic or benign to our knowledge

Labcorp Genetics (formerly Invitae), Labcorp
Classification: Uncertain significance for Early-infantile DEE. Last evaluated: 2020-10-20. Review status: criteria provided, single submitter. Criteria: Invitae Variant Classification Sherloc (09022015). Collection method: clinical testing. Allele origin: germline.
Comment: In summary, the available evidence is currently insufficient to determine the role of this variant in disease. Therefore, it has been classified as a Variant of Uncertain Significance. Algorithms developed to predict the effect of missense changes on protein structure and function (SIFT, PolyPhen-2, Align-GVGD) all suggest that this variant is likely to be tolerated, but these predictions have not been confirmed by published functional studies and their clinical significance is uncertain. This variant has not been reported in the literature in individuals with SCN1A-related disease. This variant is present in population databases (rs751929295, ExAC 0.002%). This sequence change replaces glycine with glutamic acid at codon 1527 of the SCN1A protein (p.Gly1527Glu). The glycine residue is highly conserved and there is a moderate physicochemical difference between glycine and glutamic acid.

NM_001165963.4(SCN1A):c.4580G>A (p.Gly1527Glu)

Genes: SCN1A (sodium voltage-gated channel alpha subunit 1; minus strand), LOC102724058 (uncharacterized LOC102724058; plus strand). Cytogenetic location: 2q24.3.
Variant type: single nucleotide variant.
Coding change: c.4580G>A on transcript NM_001165963.4 (MANE Select); coding-DNA position 4580, G replaced by A.
Protein change: p.Gly1527Glu; replaces glycine 1527 with glutamic acid.
Molecular consequence: missense variant. On other transcripts: non-coding transcript variant (1).
Genome position (GRCh38, 1-based): chr2:165,996,014, C>T on the plus strand (G>A on the coding strand, the complement: SCN1A is on the minus strand). VCF-style: chr2-165996014-C-T. GRCh37 (hg19) VCF-style: chr2-166852524-C-T.
Other names: c.4580G>A (NM_001165963.1); c.4496G>A, p.Gly1499Glu (NM_001165964.3, NM_001353957.2, NM_001353958.2); c.4580G>A, p.Gly1527Glu (NM_001202435.3, NM_001353948.2); c.4547G>A, p.Gly1516Glu (NM_001353949.2, NM_001353950.2, NM_001353951.2 and 2 more transcripts); c.4544G>A, p.Gly1515Glu (NM_001353954.2, NM_001353955.2); c.4493G>A, p.Gly1498Glu (NM_001353960.2); c.2138G>A, p.Gly713Glu (NM_001353961.2); short protein forms G1515E, G1498E, G1516E, G713E, G1499E, G1527E.
Identifiers: ClinVar variation 1035251 (VCV001035251.10), dbSNP rs751929295, ClinGen allele CA1942777.